The following is an entry in ClinVar:

ClinVar aggregate classification (germline): Uncertain significance. Review status: criteria provided, multiple submitters, no conflicts (2 of 4 stars). 2 submissions from 2 submitters: Uncertain significance (2). Last evaluated 2023-07-11.

Conditions:
Inborn genetic diseases. Identifiers: MedGen C0950123, MeSH D030342.

Allele frequency attached by ClinVar (database versions not stated): gnomAD exomes 0.00005; TOPMed 0.00007; gnomAD 0.00003; ExAC 0.00005.
gnomAD v4.1: 78 of 1,612,802 alleles (0.0048%); highest among the groups gnomAD compares: Admixed American, 0.01%; no homozygotes.

Submissions (2):

Ambry Genetics
Classification: Uncertain significance for Inborn genetic diseases. Last evaluated: 2023-07-11. Review status: criteria provided, single submitter. Criteria: Ambry Variant Classification Scheme 2023. Collection method: clinical testing. Allele origin: germline.

Labcorp Genetics (formerly Invitae), Labcorp
Classification: Uncertain significance. Last evaluated: 2022-05-05. Review status: criteria provided, single submitter. Criteria: Invitae Variant Classification Sherloc (09022015). Collection method: clinical testing. Allele origin: germline.
Comment: This sequence change replaces glycine, which is neutral and non-polar, with aspartic acid, which is acidic and polar, at codon 83 of the AIMP1 protein (p.Gly83Asp). This variant is present in population databases (rs749204548, gnomAD 0.01%). This variant has not been reported in the literature in individuals affected with AIMP1-related conditions. Algorithms developed to predict the effect of missense changes on protein structure and function output the following: SIFT: "Tolerated"; PolyPhen-2: "Benign"; Align-GVGD: "Class C0". The aspartic acid amino acid residue is found in multiple mammalian species, which suggests that this missense change does not adversely affect protein function. In summary, the available evidence is currently insufficient to determine the role of this variant in disease. Therefore, it has been classified as a Variant of Uncertain Significance.

NM_001142416.2(AIMP1):c.248G>A (p.Gly83Asp)

Gene: AIMP1 (aminoacyl tRNA synthetase complex interacting multifunctional protein 1; plus strand). Cytogenetic location: 4q24.
Variant type: single nucleotide variant.
Coding change: c.248G>A on transcript NM_001142416.2 (MANE Select); coding-DNA position 248, G replaced by A.
Protein change: p.Gly83Asp; replaces glycine 83 with aspartic acid.
Molecular consequence: missense variant.
Genome position (GRCh38, 1-based): chr4:106,328,100, G>A. VCF-style: chr4-106328100-G-A. GRCh37 (hg19) VCF-style: chr4-107249257-G-A.
Other names: c.248G>A, p.Gly83Asp (NM_001142415.2, NM_004757.4); c.248G>A (NM_004757.3); short protein forms G83D.
Identifiers: ClinVar variation 2145831 (VCV002145831.3), dbSNP rs749204548, ClinGen allele CA3035661.